The following is an entry in ClinVar:

NM_014975.3(MAST1):c.565-10C>T

Genes: MAST1 (microtubule associated serine/threonine kinase 1; plus strand), LOC117125587 (CRISPRi-FlowFISH-validated KLF1 and PRDX2 regulatory element; plus strand). Cytogenetic location: 19p13.13.
Variant type: single nucleotide variant.
Coding change: c.565-10C>T on transcript NM_014975.3 (MANE Select); 10 bases into the intron before coding-DNA position 565, C replaced by T.
Molecular consequence: intron variant.
Genome position (GRCh38, 1-based): chr19:12,847,838, C>T. VCF-style: chr19-12847838-C-T. GRCh37 (hg19) VCF-style: chr19-12958652-C-T.
Other names: c.565-10C>T (NM_014975.2).
Identifiers: ClinVar variation 2711631 (VCV002711631.5), dbSNP rs753738796, ClinGen allele CA9232667.

ClinVar aggregate classification (germline): Likely benign. Review status: criteria provided, single submitter (1 of 4 stars). 2 submissions from 2 submitters: Likely benign (1). 1 of the submissions does not count toward it. Last evaluated 2025-12-20.

Conditions:
MAST1-related disorder. Also called: MAST1-related condition.

Allele frequency attached by ClinVar (database versions not stated): gnomAD 0.00006; gnomAD exomes 0.00008; TOPMed 0.00009; ExAC 0.00016.
gnomAD v4.1: 125 of 1,605,130 alleles (0.0078%); highest among the groups gnomAD compares: Non-Finnish European, 0.01%; no homozygotes.

Submissions (2):

Labcorp Genetics (formerly Invitae), Labcorp
Classification: Likely benign. Last evaluated: 2025-12-20. Review status: criteria provided, single submitter. Criteria: Invitae Variant Classification Sherloc (09022015). Collection method: clinical testing. Allele origin: germline.

PreventionGenetics, part of Exact Sciences
Classification: Likely benign for MAST1-related condition. Last evaluated: 2019-09-10. Review status: no assertion criteria provided. Collection method: clinical testing. Allele origin: germline. Not counted in ClinVar's aggregate classification.
Comment: This variant is classified as likely benign based on ACMG/AMP sequence variant interpretation guidelines (Richards et al. 2015 PMID: 25741868, with internal and published modifications).